The following is an entry in ClinVar:

NM_000478.6(ALPL):c.427del (p.Gln143fs)

Gene: ALPL (alkaline phosphatase, biomineralization associated; plus strand). Cytogenetic location: 1p36.12.
Variant type: Deletion.
Coding change: c.427del on transcript NM_000478.6 (MANE Select); coding-DNA position 427, one base deleted (C; older notation c.427delC).
Protein change: p.Gln143fs; shifts the reading frame from glutamine 143.
Molecular consequence: frameshift variant.
Genome position (GRCh38, 1-based): chr1:21,563,239, C deleted; the last of 3 consecutive C bases (chr1:21,563,237-21,563,239); deleting any one gives the same sequence. VCF-style (leftmost placement, unchanged base first): chr1-21563236-AC-A. GRCh37 (hg19) VCF-style: chr1-21889729-AC-A.
Other names: c.262del, p.Gln88fs (NM_001127501.4); c.196del, p.Gln66fs (NM_001177520.3); c.427del, p.Gln143fs (NM_001369803.2, NM_001369804.2, NM_001369805.2); short protein forms Q66fs, Q143fs, Q88fs.
Identifiers: ClinVar variation 554532 (VCV000554532.6), dbSNP rs760134827, ClinGen allele CA666482.

ClinVar aggregate classification (germline): Pathogenic. Review status: criteria provided, multiple submitters, no conflicts (2 of 4 stars). 3 submissions from 3 submitters: Pathogenic (2). 1 of the submissions does not count toward it. Last evaluated 2025-08-29.

Conditions:
Hypophosphatasia. Also called: Phosphoethanol-aminuria. Identifiers: Orphanet 436, MedGen C0020630, MeSH D007014, MONDO:0018570.
Infantile hypophosphatasia. Identifiers: Orphanet 247651, Orphanet 436, MedGen C0268412, MONDO:1010169, OMIM 241500, MONDO:0009427.

Submissions (3):

Genomenon, Inc
Classification: Pathogenic for Hypophosphatasia. Last evaluated: 2025-08-29. Review status: criteria provided, single submitter. Criteria: Genomenon Sequence Variant Interpretation Standards. Collection method: curation. Allele origin: germline. Affected: yes.
Comment: ALPL p.Gln143ArgfsTer22 (c.427del) is a frameshift variant that results in the production of a truncated protein which is predicted to undergo nonsense-mediated mRNA decay. This variant has been observed in a proband affected with hypophosphatasia (PMID:25731960). It is absent or not present at a significant frequency in gnomAD. In conclusion, we classify ALPL p.Gln143ArgfsTer22 (c.427del) as a pathogenic variant.

Labcorp Genetics (formerly Invitae), Labcorp
Classification: Pathogenic. Last evaluated: 2024-12-03. Review status: criteria provided, single submitter. Criteria: Invitae Variant Classification Sherloc (09022015). Collection method: clinical testing. Allele origin: germline.
Comment: This sequence change creates a premature translational stop signal (p.Gln143Argfs*22) in the ALPL gene. It is expected to result in an absent or disrupted protein product. Loss-of-function variants in ALPL are known to be pathogenic (PMID: 3174660, 10679946, 32973344, 33814268). This variant is present in population databases (rs760134827, gnomAD 0.0009%). This premature translational stop signal has been observed in individual(s) with hypophosphatasia (PMID: 25731960). ClinVar contains an entry for this variant (Variation ID: 554532). For these reasons, this variant has been classified as Pathogenic.

Counsyl
Classification: Likely pathogenic for Infantile hypophosphatasia. Last evaluated: 2017-10-24. Review status: no assertion criteria provided. Collection method: clinical testing. Allele origin: unknown. Not counted in ClinVar's aggregate classification.

Literature cited by the submitters: PubMed 25731960 (cited by 3 submitters); PubMed 3174660 (cited by Labcorp Genetics (formerly Invitae), Labcorp); PubMed 10679946 (cited by Labcorp Genetics (formerly Invitae), Labcorp); PubMed 32973344 (cited by Labcorp Genetics (formerly Invitae), Labcorp); PubMed 33814268 (cited by Labcorp Genetics (formerly Invitae), Labcorp).